The following is an entry in ClinVar:

ClinVar aggregate classification (germline): Uncertain significance (1 of 4 stars; one submission).

Conditions:
Singleton-Merten syndrome 1 (SGMRT1). Also called: Widened medullary cavities of bone, aortic calcification, abnormal dentition, and muscular weakness; Syndrome of widened medullary cavities of the metacarpals and phalanges, aortic calcification and abnormal dentition. Identifiers: Orphanet 85191, MedGen C4225427, MONDO:0024535, OMIM 182250.
Aicardi-Goutieres syndrome 7 (AGS7). Identifiers: Orphanet 51, MedGen C3888244, MONDO:0014367, OMIM 615846.

Submission:

Labcorp Genetics (formerly Invitae), Labcorp
Classification: Uncertain significance for Aicardi-Goutieres syndrome 7; Singleton-Merten syndrome 1. Last evaluated: 2024-10-23. Review status: criteria provided, single submitter. Criteria: Invitae Variant Classification Sherloc (09022015). Collection method: clinical testing. Allele origin: germline.
Comment: This sequence change replaces threonine, which is neutral and polar, with isoleucine, which is neutral and non-polar, at codon 448 of the IFIH1 protein (p.Thr448Ile). This variant is not present in population databases (gnomAD no frequency). This variant has not been reported in the literature in individuals affected with IFIH1-related conditions. This missense change has been observed in at least one individual who was not affected with IFIH1-related conditions (internal data). ClinVar contains an entry for this variant (Variation ID: 1355957). Invitae Evidence Modeling of protein sequence and biophysical properties (such as structural, functional, and spatial information, amino acid conservation, physicochemical variation, residue mobility, and thermodynamic stability) has been performed for this missense variant. However, the output from this modeling did not meet the statistical confidence thresholds required to predict the impact of this variant on IFIH1 protein function. In summary, the available evidence is currently insufficient to determine the role of this variant in disease. Therefore, it has been classified as a Variant of Uncertain Significance.

NM_022168.4(IFIH1):c.1343C>T (p.Thr448Ile)

Gene: IFIH1 (interferon induced with helicase C domain 1; minus strand). Cytogenetic location: 2q24.2.
Variant type: single nucleotide variant.
Coding change: c.1343C>T on transcript NM_022168.4 (MANE Select); coding-DNA position 1343, C replaced by T.
Protein change: p.Thr448Ile; replaces threonine 448 with isoleucine.
Molecular consequence: missense variant.
Genome position (GRCh38, 1-based): chr2:162,281,509, G>A on the plus strand (C>T on the coding strand, the complement: IFIH1 is on the minus strand). VCF-style: chr2-162281509-G-A. GRCh37 (hg19) VCF-style: chr2-163138019-G-A.
Other names: short protein forms T448I.
Identifiers: ClinVar variation 1355957 (VCV001355957.6), dbSNP rs1576226711, ClinGen allele CA349002539.